The following is an entry in ClinVar:

NM_004006.3(DMD):c.9600_9601del (p.Lys3200fs)

Gene: DMD (dystrophin; minus strand). Cytogenetic location: Xp21.2.
Variant type: Deletion.
Coding change: c.9600_9601del on transcript NM_004006.3 (MANE Select); coding-DNA positions 9600 to 9601, 2 bases deleted (AA; older notation c.9600_9601delAA).
Protein change: p.Lys3200fs; shifts the reading frame from lysine 3200.
Molecular consequence: frameshift variant.
Genome position (GRCh38, 1-based): chrX:31,206,630-31,206,631, TT deleted on the plus strand (AA on the coding strand, the reverse complement: DMD is on the minus strand); deleting any 2 consecutive bases within chrX:31,206,630-31,206,633 gives the same sequence; the c. name uses the placement nearest the transcript's 3' end. VCF-style (leftmost placement, unchanged base first): chrX-31206629-GTT-G. GRCh37 (hg19) VCF-style: chrX-31224746-GTT-G.
Other names: c.9576_9577del, p.Lys3192fs (NM_000109.4); c.9588_9589del, p.Lys3196fs (NM_004009.3); c.9231_9232del, p.Lys3077fs (NM_004010.3); c.5577_5578del, p.Lys1859fs (NM_004011.4); c.5568_5569del, p.Lys1856fs (NM_004012.4); c.2220_2221del, p.Lys740fs (NM_004013.3, NM_004020.4, NM_004021.3 and 2 more transcripts); c.1413_1414del, p.Lys471fs (NM_004014.3); c.396_397del, p.Lys132fs (NM_004015.3, NM_004016.3, NM_004017.3 and 2 more transcripts); short protein forms K132fs, K1856fs, K1859fs, K3077fs, K3192fs, K3196fs, K3200fs, K471fs.
Identifiers: ClinVar variation 1806433 (VCV001806433.1), dbSNP rs2521253235, ClinGen allele CA2580100566.

ClinVar aggregate classification (germline): Pathogenic (1 of 4 stars; one submission).

Conditions:
Duchenne muscular dystrophy (DMD). Also called: MUSCULAR DYSTROPHY, PSEUDOHYPERTROPHIC PROGRESSIVE, DUCHENNE TYPE; Duchenne Muscular Dystrophy (DMD). Identifiers: Orphanet 98896, MedGen C0013264, MONDO:0010679, OMIM 310200.

Submission:

Laboratory of Medical Genetics, National & Kapodistrian University of Athens
Classification: Pathogenic for Duchenne muscular dystrophy. Last evaluated: 2022-12-16. Review status: criteria provided, single submitter. Criteria: ACMG Guidelines, 2015. Collection method: clinical testing. Allele origin: germline. Affected: yes.
Comment: PVS1, PM2, PP5